The following is an entry in ClinVar:

NM_000426.4(LAMA2):c.2044A>T (p.Lys682Ter)

Gene: LAMA2 (laminin subunit alpha 2; plus strand). Cytogenetic location: 6q22.33.
Variant type: single nucleotide variant.
Coding change: c.2044A>T on transcript NM_000426.4 (MANE Select); coding-DNA position 2044, A replaced by T.
Protein change: p.Lys682Ter; replaces lysine 682 with a stop codon.
Molecular consequence: nonsense.
Genome position (GRCh38, 1-based): chr6:129,252,243, A>T. VCF-style: chr6-129252243-A-T. GRCh37 (hg19) VCF-style: chr6-129573388-A-T.
Other names: c.2044A>T, p.Lys682Ter (NM_001079823.2); short protein forms K682*.
Identifiers: ClinVar variation 984190 (VCV000984190.4), dbSNP rs1786309995, ClinGen allele CA365610527.
Genomic context (GRCh38, chr6:129,252,243, plus strand): 5'-ATACATGGCACACATTTTCCAGTCCGTAGAAAGGAATTTATGACAGTGCTTGCGAATTTG[A>T]AGAGAGTCCTCCTACAAATCACATACAGCTTTGGGATGGATGCCATCTTCAGGTAAAATC-3'

ClinVar aggregate classification (germline): Likely pathogenic (1 of 4 stars; one submission).

Conditions:
LAMA2-related muscular dystrophy (LAMA2-RD). Also called: Laminin alpha 2-related dystrophy. Identifiers: MedGen C5679788, MONDO:0100228.

Submission:

Myriad Genetics, Inc.
Classification: Likely pathogenic for LAMA2-related muscular dystrophy. Last evaluated: 2019-09-30. Review status: criteria provided, single submitter. Criteria: Myriad Autosomal Dominant, Autosomal Recessive and X-Linked Classification Criteria (2023). Collection method: clinical testing. Allele origin: unknown.
Comment: NM_000426.3(LAMA2):c.2044A>T(K682*) is expected to be pathogenic in the context of LAMA2-related muscular dystrophy. This variant is predicted to lead to an abnormal or absent protein product due to the creation of a premature termination codon in LAMA2, a gene where loss-of-function variants are known to be pathogenic. Please note: this variant was assessed in the context of healthy population screening.